The following is an entry in ClinVar:

NM_000102.4(CYP17A1):c.415G>A (p.Asp139Asn)

Gene: CYP17A1 (cytochrome P450 family 17 subfamily A member 1; minus strand). Cytogenetic location: 10q24.32.
Variant type: single nucleotide variant.
Coding change: c.415G>A on transcript NM_000102.4 (MANE Select); coding-DNA position 415, G replaced by A.
Protein change: p.Asp139Asn; replaces aspartic acid 139 with asparagine.
Molecular consequence: missense variant.
Genome position (GRCh38, 1-based): chr10:102,835,275, C>T on the plus strand (G>A on the coding strand, the complement: CYP17A1 is on the minus strand). VCF-style: chr10-102835275-C-T. GRCh37 (hg19) VCF-style: chr10-104595032-C-T.
Other names: c.415G>A (NM_000102.3); short protein forms D139N.
Identifiers: ClinVar variation 2145932 (VCV002145932.2), dbSNP rs755526392, ClinGen allele CA5669575.

ClinVar aggregate classification (germline): Conflicting classifications of pathogenicity. Review status: criteria provided, conflicting classifications (1 of 4 stars). 2 submissions from 2 submitters: Uncertain significance (1); Likely benign (1). Last evaluated 2024-10-06.

Conditions:
Inborn genetic diseases. Identifiers: MedGen C0950123, MeSH D030342.

Allele frequency attached by ClinVar (database versions not stated): ExAC 0.00001; gnomAD 0.00001.
gnomAD v4.1: 13 of 1,613,250 alleles (0.00081%); highest among the groups gnomAD compares: Admixed American, 0.01%; no homozygotes.

Submissions (2):

Ambry Genetics
Classification: Likely benign for Inborn genetic diseases. Last evaluated: 2024-10-06. Review status: criteria provided, single submitter. Criteria: Ambry Variant Classification Scheme 2023. Collection method: clinical testing. Allele origin: germline.

Labcorp Genetics (formerly Invitae), Labcorp
Classification: Uncertain significance. Last evaluated: 2022-10-18. Review status: criteria provided, single submitter. Criteria: Invitae Variant Classification Sherloc (09022015). Collection method: clinical testing. Allele origin: germline.
Comment: This sequence change replaces aspartic acid, which is acidic and polar, with asparagine, which is neutral and polar, at codon 139 of the CYP17A1 protein (p.Asp139Asn). This variant is present in population databases (rs755526392, gnomAD 0.0009%). This variant has not been reported in the literature in individuals affected with CYP17A1-related conditions. Advanced modeling of protein sequence and biophysical properties (such as structural, functional, and spatial information, amino acid conservation, physicochemical variation, residue mobility, and thermodynamic stability) performed at Invitae indicates that this missense variant is not expected to disrupt CYP17A1 protein function. In summary, the available evidence is currently insufficient to determine the role of this variant in disease. Therefore, it has been classified as a Variant of Uncertain Significance.